The following is an entry in ClinVar:

NM_000138.5(FBN1):c.401G>A (p.Cys134Tyr)

Gene: FBN1 (fibrillin 1; minus strand). Cytogenetic location: 15q21.1.
Variant type: single nucleotide variant.
Coding change: c.401G>A on transcript NM_000138.5 (MANE Select); coding-DNA position 401, G replaced by A.
Protein change: p.Cys134Tyr; replaces cysteine 134 with tyrosine.
Molecular consequence: missense variant.
Genome position (GRCh38, 1-based): chr15:48,600,180, C>T on the plus strand (G>A on the coding strand, the complement: FBN1 is on the minus strand). VCF-style: chr15-48600180-C-T. GRCh37 (hg19) VCF-style: chr15-48892377-C-T.
Other names: short protein forms C134Y.
Identifiers: ClinVar variation 495602 (VCV000495602.52), dbSNP rs1555405043, ClinGen allele CA392446521.

ClinVar aggregate classification (germline): Pathogenic/Likely pathogenic. Review status: criteria provided, multiple submitters, no conflicts (2 of 4 stars). 5 submissions from 5 submitters: Pathogenic (2); Likely pathogenic (2). 1 of the submissions does not count toward it. Last evaluated 2023-01-24.

Conditions:
Marfan Syndrome/Loeys-Dietz Syndrome/Familial Thoracic Aortic Aneurysms and Dissections. Identifiers: MedGen CN229799.
Familial thoracic aortic aneurysm and aortic dissection (TAAD). Also called: Thoracic aortic aneurysms and dissections. Identifiers: Orphanet 91387, MedGen C4707243, MONDO:0019625.
Marfan syndrome (MFS). Also called: Marfan syndrome type 1; MARFAN SYNDROME, TYPE I; Marfan's syndrome; FBN1-Related Marfan Syndrome; Marfan syndrome, classic. Identifiers: Orphanet 284963, Orphanet 558, MedGen C0024796, MONDO:0007947, OMIM 154700.

Submissions (5):

GeneDx
Classification: Pathogenic. Last evaluated: 2023-01-24. Review status: criteria provided, single submitter. Criteria: GeneDx Variant Classification Process June 2021. Collection method: clinical testing. Allele origin: germline. Affected: yes.
Comment: Affects a cysteine residue within a calcium-binding EGF-like domain of the FBN1 gene, which may affect disulfide bonding and is predicted to alter the structure and function of the protein; cysteine substitutions in the calcium-binding EGF-like domains represent the majority of pathogenic missense changes associated with FBN1-related disorders (Collod-Beroud et al., 2003).; Not observed in large population cohorts (gnomAD); In silico analysis supports that this missense variant has a deleterious effect on protein structure/function; This variant is associated with the following publications: (PMID: 25652356, 25101912, 17627385)

Labcorp Genetics (formerly Invitae), Labcorp
Classification: Pathogenic for Marfan syndrome; Familial thoracic aortic aneurysm and aortic dissection. Last evaluated: 2022-08-22. Review status: criteria provided, single submitter. Criteria: Invitae Variant Classification Sherloc (09022015). Collection method: clinical testing. Allele origin: germline.
Comment: This sequence change replaces cysteine, which is neutral and slightly polar, with tyrosine, which is neutral and polar, at codon 134 of the FBN1 protein (p.Cys134Tyr). For these reasons, this variant has been classified as Pathogenic. This variant disrupts the p.Cys134 amino acid residue in FBN1. Other variant(s) that disrupt this residue have been observed in individuals with FBN1-related conditions (PMID: 16835936, 23684891), which suggests that this may be a clinically significant amino acid residue. This variant affects a cysteine residue in the EGF-like, TGFBP or hybrid motif domains of FBN1. Cysteine residues are believed to be involved in intramolecular disulfide bridges and have been shown to be important for FBN1 protein structure (PMID: 16905551, 19349279). In addition, missense substitutions affecting cysteine residues within these domains are significantly overrepresented among patients with Marfan syndrome (PMID: 16571647, 17701892). Advanced modeling of protein sequence and biophysical properties (such as structural, functional, and spatial information, amino acid conservation, physicochemical variation, residue mobility, and thermodynamic stability) performed at Invitae indicates that this missense variant is expected to disrupt FBN1 protein function. ClinVar contains an entry for this variant (Variation ID: 495602). This missense change has been observed in individual(s) with Marfan syndrome (PMID: 25101912). This variant is not present in population databases (gnomAD no frequency).

CeGaT Center for Human Genetics Tuebingen
Classification: Likely pathogenic. Last evaluated: 2020-01-01. Review status: criteria provided, single submitter. Criteria: CeGaT Center For Human Genetics Tuebingen Variant Classification Criteria Version 2. Collection method: clinical testing. Allele origin: germline. Affected: yes. Observed: 1 variant allele.

Women's Health and Genetics/Laboratory Corporation of America, LabCorp
Classification: Likely pathogenic for Marfan Syndrome/Loeys-Dietz Syndrome/Familial Thoracic Aortic Aneurysms and Dissections. Last evaluated: 2016-04-20. Review status: criteria provided, single submitter. Criteria: LabCorp Variant Classification Summary - May 2015. Collection method: clinical testing. Allele origin: germline.
Comment: Variant summary: The variant of interest causes a missense change involving a conserved nucleotide with 4/4 in silico programs (SNPs&GO not captured here due to low reliability index) predict a "deleterious" outcome, although these predictions have yet to be functionally assessed. The variant of interest is located in the cbEGF-like domain and causes the alteration of a cysteine to a tyrosine. "The sulfhydryl group of cysteine is unique in its ability to participate in disulfide covalent cross-linkage . In fact, two thirds of fibrillin cysteine residues exist in the half-cystinyl form, suggesting their participation in intramolecular disulfide linkage. The cysteine residues in the EGF-like motif may also be necessary for intermolecular interactions with other fibrillin molecules or with other proteins (Dietz_1992)." Therefore, alteration of cysteine in this domain could disrupt disulfide binding, effecting secondary or tertiary structure or possibly impairing fibrillin interactions. The variant of interest was not observed in controls (ExAC, 1000 Gs or ESP) and has been reported in an affected individual via a publication that shown a strong family history of MFS, although additional family members were not indicated to have been genetically tested. The variant of interest has not been reported by reputable clinical laboratories. Therefore, taking all available lines of evidence into consideration, the variant of interest is classified as Likely Pathogenic.

Center for Medical Genetics Ghent, University of Ghent
Classification: Likely pathogenic for Marfan syndrome. Last evaluated: 2017-11-07. Review status: no assertion criteria provided. Collection method: clinical testing. Allele origin: germline. Affected: yes. Not counted in ClinVar's aggregate classification.

Literature cited by the submitters: PubMed 16835936 (cited by Labcorp Genetics (formerly Invitae), Labcorp); PubMed 23684891 (cited by Labcorp Genetics (formerly Invitae), Labcorp); PubMed 16905551 (cited by Labcorp Genetics (formerly Invitae), Labcorp); PubMed 19349279 (cited by Labcorp Genetics (formerly Invitae), Labcorp); PubMed 16571647 (cited by Labcorp Genetics (formerly Invitae), Labcorp); PubMed 17701892 (cited by Labcorp Genetics (formerly Invitae), Labcorp); PubMed 25101912 (cited by Labcorp Genetics (formerly Invitae), Labcorp and Women's Health and Genetics/Laboratory Corporation of America, LabCorp); PubMed 17627385 (cited by Women's Health and Genetics/Laboratory Corporation of America, LabCorp); PubMed 25652356 (cited by Women's Health and Genetics/Laboratory Corporation of America, LabCorp).